The following is an entry in ClinVar:

NM_014974.3(DIP2C):c.2101G>T (p.Val701Leu)

Gene: DIP2C (DIP2 acetate--CoA ligase C (putative); minus strand). Cytogenetic location: 10p15.3.
Variant type: single nucleotide variant.
Coding change: c.2101G>T on transcript NM_014974.3 (MANE Select); coding-DNA position 2101, G replaced by T.
Protein change: p.Val701Leu; replaces valine 701 with leucine.
Molecular consequence: missense variant.
Genome position (GRCh38, 1-based): chr10:369,524, C>A on the plus strand (G>T on the coding strand, the complement: DIP2C is on the minus strand). VCF-style: chr10-369524-C-A. GRCh37 (hg19) VCF-style: chr10-415464-C-A.
Other names: c.2101G>T (NM_014974.2); short protein forms V701L.
Identifiers: ClinVar variation 2081032 (VCV002081032.6), dbSNP rs200714569, ClinGen allele CA5380592.

ClinVar aggregate classification (germline): Uncertain significance. Review status: criteria provided, multiple submitters, no conflicts (2 of 4 stars). 2 submissions from 2 submitters: Uncertain significance (2). Last evaluated 2025-05-13.

Conditions:
Inborn genetic diseases. Identifiers: MedGen C0950123, MeSH D030342.

Allele frequency attached by ClinVar (database versions not stated): ESP Exome Variant Server 0.00008.
gnomAD v4.1: 311 of 1,569,888 alleles (0.02%); highest among the groups gnomAD compares: Non-Finnish European, 0.026%; no homozygotes.

Submissions (2):

Labcorp Genetics (formerly Invitae), Labcorp
Classification: Uncertain significance. Last evaluated: 2025-05-13. Review status: criteria provided, single submitter. Criteria: Invitae Variant Classification Sherloc (09022015). Collection method: clinical testing. Allele origin: germline.
Comment: This sequence change replaces valine, which is neutral and non-polar, with leucine, which is neutral and non-polar, at codon 701 of the DIP2C protein (p.Val701Leu). This variant is present in population databases (rs200714569, gnomAD 0.02%). This variant has not been reported in the literature in individuals affected with DIP2C-related conditions. ClinVar contains an entry for this variant (Variation ID: 2081032). An algorithm developed to predict the effect of missense changes on protein structure and function (PolyPhen-2) suggests that this variant is likely to be tolerated. In summary, the available evidence is currently insufficient to determine the role of this variant in disease. Therefore, it has been classified as a Variant of Uncertain Significance.

Ambry Genetics
Classification: Uncertain significance for Inborn genetic diseases. Last evaluated: 2023-05-24. Review status: criteria provided, single submitter. Criteria: Ambry Variant Classification Scheme 2023. Collection method: clinical testing. Allele origin: germline.